The following is an entry in ClinVar:

NM_003579.4(RAD54L):c.2017A>G (p.Ser673Gly)

Genes: LRRC41 (leucine rich repeat containing 41; minus strand), RAD54L (RAD54 like; plus strand). Cytogenetic location: 1p34.1.
Variant type: single nucleotide variant.
Coding change: c.2017A>G on transcript NM_003579.4 (MANE Select); coding-DNA position 2017, A replaced by G.
Protein change: p.Ser673Gly; replaces serine 673 with glycine.
Molecular consequence: missense variant. On other transcripts: 3 prime UTR variant (1).
Genome position (GRCh38, 1-based): chr1:46,277,964, A>G. VCF-style: chr1-46277964-A-G. GRCh37 (hg19) VCF-style: chr1-46743636-A-G.
Other names: c.*901T>C (NM_006369.5); c.2017A>G, p.Ser673Gly (NM_001142548.2); c.1477A>G, p.Ser493Gly (NM_001370766.1); short protein forms S493G, S673G.
Identifiers: ClinVar variation 3223424 (VCV003223424.1), dbSNP rs2525730213, ClinGen allele CA340190451.

ClinVar aggregate classification (germline): Uncertain significance (1 of 4 stars; one submission).

Submission:

Ambry Genetics
Classification: Uncertain significance. Last evaluated: 2023-12-11. Review status: criteria provided, single submitter. Criteria: Ambry Variant Classification Scheme 2023. Collection method: clinical testing. Allele origin: germline.
Comment: The p.S673G variant (also known as c.2017A>G), located in coding exon 17 of the RAD54L gene, results from an A to G substitution at nucleotide position 2017. The serine at codon 673 is replaced by glycine, an amino acid with similar properties. This amino acid position is conserved. In addition, the in silico prediction for this alteration is inconclusive. Since supporting evidence is limited at this time, the clinical significance of this alteration remains unclear.